The following is an entry in ClinVar:

ClinVar aggregate classification (germline): Uncertain significance. Review status: criteria provided, multiple submitters, no conflicts (2 of 4 stars). 2 submissions from 2 submitters: Uncertain significance (2). Last evaluated 2024-12-24.

Conditions:
Inborn genetic diseases. Identifiers: MedGen C0950123, MeSH D030342.

gnomAD v4.1: 3 of 1,614,020 alleles (0.00019%); highest among the groups gnomAD compares: Non-Finnish European, 0.00025%; no homozygotes.

Submissions (2):

Labcorp Genetics (formerly Invitae), Labcorp
Classification: Uncertain significance. Last evaluated: 2024-12-24. Review status: criteria provided, single submitter. Criteria: Invitae Variant Classification Sherloc (09022015). Collection method: clinical testing. Allele origin: germline.
Comment: This sequence change replaces valine, which is neutral and non-polar, with aspartic acid, which is acidic and polar, at codon 167 of the SLC34A2 protein (p.Val167Asp). This variant is present in population databases (no rsID available, gnomAD 0.0009%). This missense change has been observed in individual(s) with pulmonary alveolar microlithiasis (internal data). In at least one individual the data is consistent with being in trans (on the opposite chromosome) from a pathogenic variant. Invitae Evidence Modeling of protein sequence and biophysical properties (such as structural, functional, and spatial information, amino acid conservation, physicochemical variation, residue mobility, and thermodynamic stability) has been performed for this missense variant. However, the output from this modeling did not meet the statistical confidence thresholds required to predict the impact of this variant on SLC34A2 protein function. In summary, the available evidence is currently insufficient to determine the role of this variant in disease. Therefore, it has been classified as a Variant of Uncertain Significance.

Ambry Genetics
Classification: Uncertain significance for Inborn genetic diseases. Last evaluated: 2024-05-10. Review status: criteria provided, single submitter. Criteria: Ambry Variant Classification Scheme 2023. Collection method: clinical testing. Allele origin: germline.

NM_006424.3(SLC34A2):c.500T>A (p.Val167Asp)

Gene: SLC34A2 (solute carrier family 34 member 2; plus strand). Cytogenetic location: 4p15.2.
Variant type: single nucleotide variant.
Coding change: c.500T>A on transcript NM_006424.3 (MANE Select); coding-DNA position 500, T replaced by A.
Protein change: p.Val167Asp; replaces valine 167 with aspartic acid.
Molecular consequence: missense variant.
Genome position (GRCh38, 1-based): chr4:25,666,248, T>A. VCF-style: chr4-25666248-T-A. GRCh37 (hg19) VCF-style: chr4-25667870-T-A.
Other names: c.497T>A, p.Val166Asp (NM_001177998.2, NM_001177999.2); short protein forms V166D, V167D.
Identifiers: ClinVar variation 3319540 (VCV003319540.3).
Genomic context (GRCh38, chr4:25,666,248, plus strand): 5'-TGGTGATCGGGGTGCTGGTGACCGTCTTGGTGCAGAGCTCCAGCACCTCAACGTCCATCG[T>A]TGTCAGCATGGTGTCCTCTTCATGTGAGTCGGGGCACCCATGAGCCCACCTGCATTCCAG-3'
Protein context (NP_006415.3, residues 157-177): VQSSSTSTSI[Val167Asp]VSMVSSSLLT